The following is an entry in ClinVar:

NM_004991.4(MECOM):c.3128A>G (p.Asn1043Ser)

Gene: MECOM (MDS1 and EVI1 complex locus; minus strand). Cytogenetic location: 3q26.2.
Variant type: single nucleotide variant.
Coding change: c.3128A>G on transcript NM_004991.4 (MANE Select); coding-DNA position 3128, A replaced by G.
Protein change: p.Asn1043Ser; replaces asparagine 1043 with serine.
Molecular consequence: missense variant.
Genome position (GRCh38, 1-based): chr3:169,092,994, T>C on the plus strand (A>G on the coding strand, the complement: MECOM is on the minus strand). VCF-style: chr3-169092994-T-C. GRCh37 (hg19) VCF-style: chr3-168810782-T-C.
Other names: c.2759A>G, p.Asn920Ser (NM_001105077.4); c.2564A>G, p.Asn855Ser (NM_001105078.4, NM_001205194.2, NM_001366469.2 and 1 more transcripts); c.2540A>G, p.Asn847Ser (NM_001163999.2, NM_001366470.2); c.2537A>G, p.Asn846Ser (NM_001164000.2, NM_001366471.2, NM_001366472.2); c.3101A>G, p.Asn1034Ser (NM_001366466.2); c.2567A>G, p.Asn856Ser (NM_001366467.2, NM_001366468.2); c.2129A>G, p.Asn710Ser (NM_001366473.2); c.1565A>G, p.Asn522Ser (NM_001366474.2); short protein forms N1043S, N710S, N855S, N920S, N1034S, N522S, N856S, N846S.
Identifiers: ClinVar variation 3293931 (VCV003293931.2).

ClinVar aggregate classification (germline): Uncertain significance (1 of 4 stars; one submission).

Conditions:
Inborn genetic diseases. Identifiers: MedGen C0950123, MeSH D030342.

gnomAD v4.1: 2 of 1,613,836 alleles (0.00012%); highest among the groups gnomAD compares: Non-Finnish European, 0.00017%; no homozygotes.

Submission:

Ambry Genetics
Classification: Uncertain significance for Inborn genetic diseases. Last evaluated: 2025-11-16. Review status: criteria provided, single submitter. Criteria: Ambry Variant Classification Scheme 2023. Collection method: clinical testing. Allele origin: germline.
Comment: The p.N1043S variant (also known as c.3128A>G), located in coding exon 14 of the MECOM gene, results from an A to G substitution at nucleotide position 3128. The asparagine at codon 1043 is replaced by serine, an amino acid with highly similar properties. This amino acid position is conserved. In addition, this alteration is predicted to be tolerated by in silico analysis. Based on the available evidence, the clinical significance of this variant remains unclear.